The following is an entry in ClinVar:

NM_000256.3(MYBPC3):c.121C>T (p.Arg41Cys)

Gene: MYBPC3 (myosin binding protein C3; minus strand). Cytogenetic location: 11p11.2.
Variant type: single nucleotide variant.
Coding change: c.121C>T on transcript NM_000256.3 (MANE Select); coding-DNA position 121, C replaced by T.
Protein change: p.Arg41Cys; replaces arginine 41 with cysteine.
Molecular consequence: missense variant.
Genome position (GRCh38, 1-based): chr11:47,351,410, G>A on the plus strand (C>T on the coding strand, the complement: MYBPC3 is on the minus strand). VCF-style: chr11-47351410-G-A. GRCh37 (hg19) VCF-style: chr11-47372961-G-A.
Other names: short protein forms R41C.
Identifiers: ClinVar variation 42510 (VCV000042510.22), dbSNP rs373638535, ClinGen allele CA009878.
Genomic context (GRCh38, chr11:47,351,410, plus strand): 5'-CCTCTGTGGCCAGGCCGTACTTGTTGCTGGCGCTGATGTCACTGCCTCCGCGCTGCCAGC[G>A]CACCTTCACTCCTGCCCGCTCTGTCTCGGCCTCGAACACGGCAGGGCTGCCTGCGGCCAC-3'
Protein context (NP_000247.2, residues 31-51): AETERAGVKV[Arg41Cys]WQRGGSDISA

ClinVar aggregate classification (germline): Uncertain significance. Review status: criteria provided, multiple submitters, no conflicts (2 of 4 stars). 9 submissions from 9 submitters: Uncertain significance (9). Last evaluated 2025-04-09.

Conditions:
Cardiovascular phenotype. Identifiers: MedGen CN230736.
Hypertrophic cardiomyopathy 4. Also called: Familial hypertrophic cardiomyopathy 4. Identifiers: MedGen C1861862, MONDO:0007268, OMIM 115197.
Left ventricular noncompaction 10 (LVNC10). Identifiers: Orphanet 154, Orphanet 54260, MedGen C3715165, MONDO:0014163, OMIM 615396.
Cardiomyopathy (CMYO). Also called: Cardiomyopathies. Identifiers: Orphanet 167848, MedGen C0878544, MONDO:0004994, HP:0001638. Inheritance: Various modes of inheritance.
Hypertrophic cardiomyopathy. Also called: HYPERTROPHIC MYOCARDIOPATHY. Identifiers: Orphanet 217569, MedGen C0007194, MeSH D002312, MONDO:0005045, HP:0001639.

Allele frequency attached by ClinVar (database versions not stated): TOPMed 0.00001; gnomAD exomes 0.00002; gnomAD 0.00003.
gnomAD v4.1: 27 of 1,609,808 alleles (0.0017%); highest among the groups gnomAD compares: South Asian, 0.0033%; no homozygotes.

Submissions (9):

Molecular Diagnostic Laboratory for Inherited Cardiovascular Disease, Montreal Heart Institute
Classification: Uncertain significance for Cardiovascular phenotype. Last evaluated: 2025-04-09. Review status: criteria provided, single submitter. Criteria: ACMG Guidelines, 2015. Collection method: clinical testing. Allele origin: germline. Affected: yes.
Comment: PM2, PS4_supp, PP3

Labcorp Genetics (formerly Invitae), Labcorp
Classification: Uncertain significance for Hypertrophic cardiomyopathy. Last evaluated: 2025-02-02. Review status: criteria provided, single submitter. Criteria: Invitae Variant Classification Sherloc (09022015). Collection method: clinical testing. Allele origin: germline.
Comment: This sequence change replaces arginine, which is basic and polar, with cysteine, which is neutral and slightly polar, at codon 41 of the MYBPC3 protein (p.Arg41Cys). The frequency data for this variant in the population databases is considered unreliable, as metrics indicate poor data quality at this position in the gnomAD database. This missense change has been observed in individual(s) with dilated cardiomyopathy (PMID: 23054336, 24503780, 27532257). ClinVar contains an entry for this variant (Variation ID: 42510). An algorithm developed to predict the effect of missense changes on protein structure and function (PolyPhen-2) suggests that this variant is likely to be disruptive. In summary, the available evidence is currently insufficient to determine the role of this variant in disease. Therefore, it has been classified as a Variant of Uncertain Significance.

Ambry Genetics
Classification: Uncertain significance for Cardiovascular phenotype. Last evaluated: 2025-01-23. Review status: criteria provided, single submitter. Criteria: Ambry Variant Classification Scheme 2023. Collection method: clinical testing. Allele origin: germline.

Blueprint Genetics
Classification: Uncertain significance. Last evaluated: 2024-02-27. Review status: criteria provided, single submitter. Criteria: ACMG Guidelines, 2015. Collection method: clinical testing. Allele origin: germline.

All of Us Research Program, National Institutes of Health
Classification: Uncertain significance for Hypertrophic cardiomyopathy. Last evaluated: 2024-02-22. Review status: criteria provided, single submitter. Criteria: ACMG Guidelines, 2015. Collection method: clinical testing. Allele origin: germline. Inheritance: Autosomal dominant inheritance. Observed: 4 variant alleles, 4 heterozygotes.
Comment: This missense variant replaces arginine with cysteine at codon 41 of the MYBPC3 protein. Computational prediction suggests that this variant may not impact protein structure and function (internally defined REVEL score threshold <= 0.5, PMID: 27666373). To our knowledge, functional studies have not been reported for this variant. This variant has been reported in individuals affected with dilated cardiomyopathy (PMID: 23054336, 24503780, 27532257), and in a stillborn baby (PMID: 30615648). This variant has been identified in 5/272350 chromosomes in the general population by the Genome Aggregation Database (gnomAD). The available evidence is insufficient to determine the role of this variant in disease conclusively. Therefore, this variant is classified as a Variant of Uncertain Significance.

This study involves interpretation of variants in research participants for the purpose of population health screening. Participant phenotype was not available at the time of variant classification. Additional details can be found in publication PMID: 35346344, PMCID: PMC8962531

Color Diagnostics, LLC DBA Color Health
Classification: Uncertain significance for Cardiomyopathy. Last evaluated: 2023-05-31. Review status: criteria provided, single submitter. Criteria: ACMG Guidelines, 2015. Collection method: clinical testing. Allele origin: germline.
Comment: This missense variant replaces arginine with cysteine at codon 41 of the MYBPC3 protein. Computational prediction suggests that this variant may not impact protein structure and function (internally defined REVEL score threshold <= 0.5, PMID: 27666373). To our knowledge, functional studies have not been reported for this variant. This variant has been reported in individuals affected with dilated cardiomyopathy (PMID: 23054336, 24503780, 27532257), and in a stillborn baby (PMID: 30615648). This variant has been identified in 5/272350 chromosomes in the general population by the Genome Aggregation Database (gnomAD). The available evidence is insufficient to determine the role of this variant in disease conclusively. Therefore, this variant is classified as a Variant of Uncertain Significance.

CeGaT Center for Human Genetics Tuebingen
Classification: Uncertain significance. Last evaluated: 2022-05-01. Review status: criteria provided, single submitter. Criteria: Praxis fuer Humangenetik Tuebingen - Variant Classification Criteria. Collection method: clinical testing. Allele origin: germline. Affected: yes. Observed: 1 variant allele.

Fulgent Genetics
Classification: Uncertain significance for Hypertrophic cardiomyopathy 4; Left ventricular noncompaction 10. Last evaluated: 2021-08-02. Review status: criteria provided, single submitter. Criteria: ACMG Guidelines, 2015. Collection method: clinical testing. Allele origin: unknown.

Laboratory for Molecular Medicine, Mass General Brigham Personalized Medicine
Classification: Uncertain significance. Last evaluated: 2019-08-12. Review status: criteria provided, single submitter. Criteria: LMM Criteria. Collection method: clinical testing. Allele origin: germline. Observed: 1 variant allele.
Comment: The p.Arg41Cys variant in MYBPC3 has been reported in 2 affected infants with DCM from 1 family, both of whom also carried a likely pathogenic variant in MYH7 (Miller 2013, LMM data). It has been identified in 5/124656 European chromosomes by gnomAD. Computational prediction tools and conservation analyses suggest that this variant may impact the protein, though this information is not predictive enough to determine pathogenicity. In summary, the clinical significance of this variant is uncertain. ACMG/AMP Criteria applied: PP3.

Literature cited by the submitters: PubMed 23054336 (cited by 4 submitters); PubMed 24503780 (cited by 3 submitters); PubMed 27532257 (cited by 3 submitters); PubMed 30615648 (cited by All of Us Research Program, National Institutes of Health and Color Diagnostics, LLC DBA Color Health).